The following is an entry in ClinVar:

NM_145868.2(ANXA11):c.972G>A (p.Glu324=)

Gene: ANXA11 (annexin A11; minus strand). Cytogenetic location: 10q22.3.
Variant type: single nucleotide variant.
Coding change: c.972G>A on transcript NM_145868.2 (MANE Select); coding-DNA position 972, G replaced by A.
Protein change: p.Glu324=; no amino-acid change (glutamic acid 324 retained).
Molecular consequence: synonymous variant.
Genome position (GRCh38, 1-based): chr10:80,163,591, C>T on the plus strand (G>A on the coding strand, the complement: ANXA11 is on the minus strand). VCF-style: chr10-80163591-C-T. GRCh37 (hg19) VCF-style: chr10-81923347-C-T.
Other names: c.972G>A, p.Glu324= (NM_001157.3, NM_001278407.2, NM_001278408.2 and 1 more transcripts); c.873G>A, p.Glu291= (NM_001278409.2).
Identifiers: ClinVar variation 2985011 (VCV002985011.11), dbSNP rs146139449, ClinGen allele CA5576003.

ClinVar aggregate classification (germline): Likely benign. Review status: criteria provided, multiple submitters, no conflicts (2 of 4 stars). 2 submissions from 2 submitters: Likely benign (2). Last evaluated 2025-07-01.

Allele frequency attached by ClinVar (database versions not stated): ExAC 0.00004; gnomAD 0.00004; TOPMed 0.00006; ESP Exome Variant Server 0.00008; gnomAD exomes 0.00009.
gnomAD v4.1: 136 of 1,559,198 alleles (0.0087%); highest among the groups gnomAD compares: Non-Finnish European, 0.011%; no homozygotes.

Submissions (2):

CeGaT Center for Human Genetics Tuebingen
Classification: Likely benign. Last evaluated: 2025-07-01. Review status: criteria provided, single submitter. Criteria: CeGaT Center For Human Genetics Tuebingen Variant Classification Criteria Version 2. Collection method: clinical testing. Allele origin: germline. Affected: yes. Observed: 1 variant allele.
Comment: ANXA11: BP4, BP7

Labcorp Genetics (formerly Invitae), Labcorp
Classification: Likely benign. Last evaluated: 2023-12-19. Review status: criteria provided, single submitter. Criteria: Invitae Variant Classification Sherloc (09022015). Collection method: clinical testing. Allele origin: germline.